The following is an entry in ClinVar:

NM_152564.5(VPS13B):c.*1539A>G

Gene: VPS13B (vacuolar protein sorting 13 homolog B; plus strand). Cytogenetic location: 8q22.2.
Variant type: single nucleotide variant.
Coding change: c.*1539A>G on transcript NM_152564.5 (MANE Select); 1539 bases downstream of the stop codon, A replaced by G.
Molecular consequence: 3 prime UTR variant.
Genome position (GRCh38, 1-based): chr8:99,877,205, A>G. VCF-style: chr8-99877205-A-G. GRCh37 (hg19) VCF-style: chr8-100889433-A-G.
Other names: c.*1539A>G (NM_017890.5).
Identifiers: ClinVar variation 909661 (VCV000909661.4), dbSNP rs80237506, ClinGen allele CA182336818.
Genomic context (GRCh38, chr8:99,877,205, plus strand): 5'-GCCACCATGCCCAACACCCACTGATCTTTAACTCTCACATGTTGGGCATAAGAAGTCACT[A>G]TATAATTGTTACTGGAAAGCAAGACTTAACGAACAATTCTGACTATGAAAAATGTCTCTT-3'

ClinVar aggregate classification (germline): Benign (1 of 4 stars; one submission).

Conditions:
Cohen syndrome (COH1). Also called: PEPPER SYNDROME; Cutis verticis gyrata, retinitis pigmentosa, and sensorineural deafness. Identifiers: Orphanet 193, MedGen C0265223, MONDO:0008999, OMIM 216550.

Allele frequency attached by ClinVar (database versions not stated): 1000 Genomes Project 0.00579; 1000 Genomes Project 30x 0.00687; gnomAD 0.00751 and 0.00812; TOPMed 0.00849.

Submission:

Illumina Laboratory Services, Illumina
Classification: Benign for Cohen syndrome. Last evaluated: 2018-01-12. Review status: criteria provided, single submitter. Criteria: ICSL Variant Classification Criteria 13 December 2019. Collection method: clinical testing. Allele origin: germline.
Comment: This variant was observed in the ICSL laboratory as part of a predisposition screen in an ostensibly healthy population. It had not been previously curated by ICSL or reported in the Human Gene Mutation Database (HGMD: prior to June 1st, 2018), and was therefore a candidate for classification through an automated scoring system. Utilizing variant allele frequency, disease prevalence and penetrance estimates, and inheritance mode, an automated score was calculated to assess if this variant is too frequent to cause the disease. Based on the score and internal cut-off values, a variant classified as benign is not then subjected to further curation. The score for this variant resulted in a classification of benign for this disease.